The following is an entry in ClinVar:

ClinVar aggregate classification (germline): Likely pathogenic. Review status: criteria provided, multiple submitters, no conflicts (2 of 4 stars). 4 submissions from 4 submitters: Likely pathogenic (4). Last evaluated 2026-08-03.

Conditions:
Glycogen phosphorylase kinase deficiency. Also called: Phosphorylase Kinase Deficiency; Glycogen Storage Disease Type IX. Identifiers: Orphanet 370, MedGen C0268147, MONDO:0700291.
Glycogen storage disease IXc (GSD9C). Also called: GSD IXc. Identifiers: Orphanet 264580, MedGen C2751643, MONDO:0013091, OMIM 613027.
Glycogen storage disease. Also called: glycogen storage disorder; Disorder of glycogen metabolism. Identifiers: Orphanet 79201, MedGen C0017919, MONDO:0002412.

Allele frequency attached by ClinVar (database versions not stated): ExAC 0.00001; gnomAD exomes 0.00001.

Submissions (4):

Genetics Laboratory, Great Ormond Street Hospital NHS Foundation Trust, North Thames Genomic Laboratory Hub
Classification: Likely pathogenic for Glycogen storage disease. Last evaluated: 2026-08-03. Review status: criteria provided, single submitter. Criteria: ACGS Best Practice Guidelines for Variant Classification in Rare Disease 2024 v1.2. Collection method: clinical testing. Allele origin: germline. Affected: yes.
Comment: PM2_moderate, PP3_supporting, PM3_moderate, PP4_supporting

Fulgent Genetics
Classification: Likely pathogenic for Glycogen storage disease IXc. Last evaluated: 2024-03-26. Review status: criteria provided, single submitter. Criteria: ACMG Guidelines, 2015. Collection method: clinical testing. Allele origin: germline.

Women's Health and Genetics/Laboratory Corporation of America, LabCorp
Classification: Likely pathogenic for Glycogen phosphorylase kinase deficiency. Last evaluated: 2024-03-25. Review status: criteria provided, single submitter. Criteria: LabCorp Variant Classification Summary - May 2015. Collection method: clinical testing. Allele origin: germline.
Comment: Variant summary: PHKG2 c.925C>T (p.Arg309Trp) results in a non-conservative amino acid change in the encoded protein sequence. Four of five in-silico tools predict a damaging effect of the variant on protein function. In addition, this variant is located close to a splice site, therefore it can also affect splicing. Several computational tools predict a potential impact on splicing: three predict the variant weakens a canonical 5' donor site, whereas one predicts no significant impact on splicing. However, these predictions have yet to be confirmed with functional studies. The variant allele was found at a frequency of 1.2e-05 in 251028 control chromosomes (gnomAD). c.925C>T has been reported in the literature as a biallelic genotype in individuals affected with Glycogen Phosphorylase Kinase Deficiency (Glycogen Storage Disease, type IX) (e.g. Rocher_2014, Inci_2022, Wang_2022). These data indicate that the variant is likely to be associated with disease. To our knowledge, no experimental evidence demonstrating an impact on protein function has been reported. The following publications have been ascertained in the context of this evaluation (PMID: 35038814, 25266922, 35257483). ClinVar contains an entry for this variant (Variation ID: 2445869). Based on the evidence outlined above, the variant was classified as likely pathogenic.

Breakthrough Genomics
Classification: Likely pathogenic for Glycogen storage disease IXc. Last evaluated: 2021-05-30. Review status: criteria provided, single submitter. Criteria: ACMG Guidelines, 2015. Collection method: clinical testing. Allele origin: germline. Affected: yes.
Comment: In addition, another missense variant affecting the same codon of the identified variant, p.Arg309Gln has been reported as ‘pathogenic’ in the context of Mauriac syndrome in the ClinVar database.

Literature cited by the submitters: PubMed 25266922 (cited by Women's Health and Genetics/Laboratory Corporation of America, LabCorp); PubMed 35038814 (cited by Women's Health and Genetics/Laboratory Corporation of America, LabCorp); PubMed 35257483 (cited by Women's Health and Genetics/Laboratory Corporation of America, LabCorp).

NM_000294.3(PHKG2):c.925C>T (p.Arg309Trp)

Gene: PHKG2 (phosphorylase kinase catalytic subunit gamma 2; plus strand). Cytogenetic location: 16p11.2.
Variant type: single nucleotide variant.
Coding change: c.925C>T on transcript NM_000294.3 (MANE Select); coding-DNA position 925, C replaced by T.
Protein change: p.Arg309Trp; replaces arginine 309 with tryptophan.
Molecular consequence: missense variant.
Genome position (GRCh38, 1-based): chr16:30,756,713, C>T. VCF-style: chr16-30756713-C-T. GRCh37 (hg19) VCF-style: chr16-30768034-C-T.
Other names: p.Arg309Trp; c.925C>T, p.Arg309Trp (NM_001172432.2); c.925C>T (NM_000294.2); short protein forms R309W.
Identifiers: ClinVar variation 2445869 (VCV002445869.9), dbSNP rs760257918, ClinGen allele CA8013341.